The following is an entry in ClinVar:

NM_001128425.2(MUTYH):c.37G>A (p.Ala13Thr)

Gene: MUTYH (mutY DNA glycosylase; minus strand). Cytogenetic location: 1p34.1.
Variant type: single nucleotide variant.
Coding change: c.37G>A on transcript NM_001128425.2 (MANE Plus Clinical); coding-DNA position 37, G replaced by A.
Protein change: p.Ala13Thr; replaces alanine 13 with threonine.
Molecular consequence: missense variant. On other transcripts: 5 prime UTR variant (10), non-coding transcript variant (2).
Genome position (GRCh38, 1-based): chr1:45,334,511, C>T on the plus strand (G>A on the coding strand, the complement: MUTYH is on the minus strand). VCF-style: chr1-45334511-C-T. GRCh37 (hg19) VCF-style: chr1-45800183-C-T.
Other names: c.-6G>A (NM_001048171.2, NM_001048172.2, NM_001048173.2 and 3 more transcripts); c.37G>A, p.Ala13Thr (NM_001293190.2, NM_012222.3); c.-218G>A (NM_001293192.2, NM_001293196.2); c.-277G>A (NM_001350650.2); c.-213G>A (NM_001350651.2); short protein forms A13T.
Identifiers: ClinVar variation 216520 (VCV000216520.26), dbSNP rs375349172, ClinGen allele CA338910.

ClinVar aggregate classification (germline): Conflicting classifications of pathogenicity. Review status: criteria provided, conflicting classifications (1 of 4 stars). 7 submissions from 7 submitters: Uncertain significance (5); Likely benign (1). 1 of the submissions does not count toward it. Last evaluated 2025-11-11.

Conditions:
Hereditary cancer-predisposing syndrome. Also called: Tumor predisposition; Hereditary Cancer Syndrome; Neoplastic Syndromes, Hereditary; Hereditary neoplastic syndrome. Identifiers: Orphanet 140162, MedGen C0027672, MeSH D009386, MONDO:0015356.
Carcinoma of colon (CRC). Also called: Colon carcinoma; Colonic carcinoma. Identifiers: MedGen C0699790, MONDO:0002032.
Familial adenomatous polyposis 2. Also called: MYH-associated polyposis; FAP type 2; ADENOMAS, MULTIPLE COLORECTAL, AUTOSOMAL RECESSIVE; MUTYH Polyposis; MUTYH-associated polyposis; MUTYH-related attenuated familial adenomatous polyposis. Identifiers: Orphanet 220460, Orphanet 247798, MedGen C3272841, MONDO:0012041, OMIM 608456.

Allele frequency attached by ClinVar (database versions not stated): gnomAD exomes 0.00001; TOPMed 0.00001; ESP Exome Variant Server 0.00008.
gnomAD v4.1: 4 of 1,613,984 alleles (0.00025%); highest among the groups gnomAD compares: Non-Finnish European, 0.00034%; no homozygotes.

Submissions (7):

Labcorp Genetics (formerly Invitae), Labcorp
Classification: Uncertain significance for Familial adenomatous polyposis 2. Last evaluated: 2025-11-11. Review status: criteria provided, single submitter. Criteria: Invitae Variant Classification Sherloc (09022015). Collection method: clinical testing. Allele origin: germline.
Comment: This sequence change replaces alanine, which is neutral and non-polar, with threonine, which is neutral and polar, at codon 13 of the MUTYH protein (p.Ala13Thr). This variant is not present in population databases (gnomAD no frequency). This missense change has been observed in individual(s) with polyposis and/or breast cancer (PMID: 21777424, 30564557). ClinVar contains an entry for this variant (Variation ID: 216520). An algorithm developed to predict the effect of missense changes on protein structure and function (PolyPhen-2) suggests that this variant is likely to be tolerated. In summary, the available evidence is currently insufficient to determine the role of this variant in disease. Therefore, it has been classified as a Variant of Uncertain Significance.

Ambry Genetics
Classification: Likely benign for Hereditary cancer-predisposing syndrome. Last evaluated: 2025-04-02. Review status: criteria provided, single submitter. Criteria: Ambry Variant Classification Scheme 2023. Collection method: clinical testing. Allele origin: germline.

Baylor Genetics
Classification: Uncertain significance for Familial adenomatous polyposis 2. Last evaluated: 2024-02-03. Review status: criteria provided, single submitter. Criteria: ACMG Guidelines, 2015. Collection method: clinical testing. Allele origin: unknown.

All of Us Research Program, National Institutes of Health
Classification: Uncertain significance for Familial adenomatous polyposis 2. Last evaluated: 2023-04-03. Review status: criteria provided, single submitter. Criteria: ACMG Guidelines, 2015. Collection method: clinical testing. Allele origin: germline. Inheritance: Autosomal recessive inheritance. Observed: 1 variant allele, 1 heterozygote.
Comment: This missense variant replaces alanine with threonine at codon 13 of the MUTYH protein. Computational prediction suggests that this variant may not impact protein structure and function (internally defined REVEL score threshold <= 0.5, PMID: 27666373). To our knowledge, functional studies have not been reported for this variant. This variant has not been identified in the general population by the Genome Aggregation Database (gnomAD). The available evidence is insufficient to determine the role of this variant in disease conclusively. Therefore, this variant is classified as a Variant of Uncertain Significance.

This study involves interpretation of variants in research participants for the purpose of population health screening. Participant phenotype was not available at the time of variant classification. Additional details can be found in publication PMID: 35346344, PMCID: PMC8962531

Color Diagnostics, LLC DBA Color Health
Classification: Uncertain significance for Hereditary cancer-predisposing syndrome. Last evaluated: 2023-03-22. Review status: criteria provided, single submitter. Criteria: ACMG Guidelines, 2015. Collection method: clinical testing. Allele origin: germline.
Comment: This missense variant replaces alanine with threonine at codon 13 of the MUTYH protein. Computational prediction suggests that this variant may not impact protein structure and function (internally defined REVEL score threshold <= 0.5, PMID: 27666373). To our knowledge, functional studies have not been reported for this variant. This variant has not been identified in the general population by the Genome Aggregation Database (gnomAD). The available evidence is insufficient to determine the role of this variant in disease conclusively. Therefore, this variant is classified as a Variant of Uncertain Significance.

GeneDx
Classification: Uncertain significance. Last evaluated: 2020-09-23. Review status: criteria provided, single submitter. Criteria: GeneDx Variant Classification Process June 2021. Collection method: clinical testing. Allele origin: germline. Affected: yes.
Comment: Not observed in large population cohorts (Lek et al., 2016); In silico analysis supports that this missense variant does not alter protein structure/function; Observed in individuals with colorectal cancer and/or polyps as well as male breast cancer (Tricario 2011, Rizzolo 2018); This variant is associated with the following publications: (PMID: 23599153, 30564557, 21777424)

Department of Pathology and Laboratory Medicine, Sinai Health System
Classification: Uncertain significance for Carcinoma of colon. Review status: no assertion criteria provided. Collection method: clinical testing. Allele origin: unknown. Affected: yes. Observed: 1 variant allele. Study: The Canadian Open Genetics Repository (COGR). Not counted in ClinVar's aggregate classification.
Comment: The p.Ala13Thr variant was identified in the literature in 1 of 156 proband chromosomes from individuals with mixed CRC phenotypes and was not identified in 20 control chromosomes (Tricarico 2011); however, this limited set of cases and controls is not sufficient to be able to predict the significance of this variant. This variant was identified by the ESP in 1 of 8600 chromsomes (frequency of 0.0001); this limited number of observations is not sufficient to determine whether or not this is a low frequency common benign variant or a rare pathogenic variant. The p.Al13 residue is not present in all mammals and computational analyses (PolyPhen2, SIFT, AlignGVGD, BLOSUM) provide inconsistent predictions regarding the impact to the protein and this information is not very predictive of pathogenicity. The p.Al13Thr (c.37G>A) variant occurs in the first base of the exon and this position has been shown to be part of the splicing consensus sequence and variants involving this position sometimes affect splicing. However, splicing in-silico or computational prediction software (SpliceSiteFinder, MaxEntScan, NNSPLICE, GeneSplicer, HumanSpliceFinder) does not predict a significant difference in splicing in 3 of 5 different programs. However, this information is not predictive enough to rule out pathogenicity. In summary, based on the above information, the clinical significance of this variant cannot be determined with certainty at this time. This variant is classified as a variant of unknown significance.

Literature cited by the submitters: PubMed 21777424 (cited by 3 submitters); PubMed 30564557 (cited by 3 submitters).